The following is an entry in ClinVar:

NM_144997.7(FLCN):c.1433-14G>T

Gene: FLCN (folliculin; minus strand). Cytogenetic location: 17p11.2.
Variant type: single nucleotide variant.
Coding change: c.1433-14G>T on transcript NM_144997.7 (MANE Select); 14 bases into the intron before coding-DNA position 1433, G replaced by T.
Molecular consequence: intron variant.
Genome position (GRCh38, 1-based): chr17:17,215,104, C>A on the plus strand (G>T on the coding strand, the complement: FLCN is on the minus strand). VCF-style: chr17-17215104-C-A. GRCh37 (hg19) VCF-style: chr17-17118418-C-A.
Other names: c.1433-14G>T (NM_001353231.2, NM_001353230.2); c.1487-14G>T (NM_001353229.2).
Identifiers: ClinVar variation 2032020 (VCV002032020.5), dbSNP rs2144834455, ClinGen allele CA2580092694.

ClinVar aggregate classification (germline): Likely benign. Review status: criteria provided, multiple submitters, no conflicts (2 of 4 stars). 2 submissions from 2 submitters: Likely benign (2). Last evaluated 2024-10-25.

Conditions:
Birt-Hogg-Dube syndrome 1 (BHD1). Also called: FIBROFOLLICULOMAS WITH TRICHODISCOMAS AND ACROCHORDONS. Identifiers: Orphanet 122, MedGen CN375946, MONDO:0800445, OMIM 135150.
Birt-Hogg-Dube syndrome. Also called: Birt Hogg Dubé syndrome. Identifiers: Orphanet 122, MedGen C0346010, MONDO:0800444.

Submissions (2):

Myriad Genetics, Inc.
Classification: Likely benign for Birt-Hogg-Dube syndrome 1. Last evaluated: 2024-10-25. Review status: criteria provided, single submitter. Criteria: Myriad Autosomal Dominant, Autosomal Recessive and X-Linked Classification Criteria (2023). Collection method: clinical testing. Allele origin: unknown.
Comment: This variant is considered likely benign. This variant is intronic and is not expected to impact mRNA splicing.

Labcorp Genetics (formerly Invitae), Labcorp
Classification: Likely benign for Birt-Hogg-Dube syndrome. Last evaluated: 2022-09-23. Review status: criteria provided, single submitter. Criteria: Invitae Variant Classification Sherloc (09022015). Collection method: clinical testing. Allele origin: germline.